The following is an entry in ClinVar:

NM_000095.3(COMP):c.2155G>C (p.Gly719Arg)

Gene: COMP (cartilage oligomeric matrix protein; minus strand). Cytogenetic location: 19p13.11.
Variant type: single nucleotide variant.
Coding change: c.2155G>C on transcript NM_000095.3 (MANE Select); coding-DNA position 2155, G replaced by C.
Protein change: p.Gly719Arg; replaces glycine 719 with arginine.
Molecular consequence: missense variant.
Genome position (GRCh38, 1-based): chr19:18,783,126, C>G on the plus strand (G>C on the coding strand, the complement: COMP is on the minus strand). VCF-style: chr19-18783126-C-G. GRCh37 (hg19) VCF-style: chr19-18893936-C-G.
Other names: short protein forms G719R.
Identifiers: ClinVar variation 3371449 (VCV003371449.1).

ClinVar aggregate classification (germline): Uncertain significance (1 of 4 stars; one submission).

Submission:

GeneDx
Classification: Uncertain significance. Last evaluated: 2024-03-26. Review status: criteria provided, single submitter. Criteria: GeneDx Variant Classification Process June 2021. Collection method: clinical testing. Allele origin: germline. Affected: yes.
Comment: Not observed at significant frequency in large population cohorts (gnomAD); In silico analysis supports that this missense variant has a deleterious effect on protein structure/function; Has not been previously published as pathogenic or benign to our knowledge